The following is an entry in ClinVar:

NM_020208.4(SLC6A20):c.*2685T>C

Gene: SLC6A20 (solute carrier family 6 member 20; minus strand). Cytogenetic location: 3p21.31.
Variant type: single nucleotide variant.
Coding change: c.*2685T>C on transcript NM_020208.4 (MANE Select); 2685 bases downstream of the stop codon, T replaced by C.
Molecular consequence: 3 prime UTR variant.
Genome position (GRCh38, 1-based): chr3:45,756,293, A>G on the plus strand (T>C on the coding strand, the complement: SLC6A20 is on the minus strand). VCF-style: chr3-45756293-A-G. GRCh37 (hg19) VCF-style: chr3-45797785-A-G.
Other names: c.*2685T>C (NM_022405.4).
Identifiers: ClinVar variation 345349 (VCV000345349.6), dbSNP rs2742388, ClinGen allele CA10615944.

ClinVar aggregate classification (germline): Benign. Review status: criteria provided, multiple submitters, no conflicts (2 of 4 stars). 2 submissions from 2 submitters: Benign (2). Last evaluated 2018-01-13.

Conditions:
Hyperglycinuria. Also called: GLYCINURIA WITH OR WITHOUT OXALATE NEPHROLITHIASIS; GLYCINURIA WITH OR WITHOUT OXALATE UROLITHIASIS; IMINOGLYCINURIA TYPE II. Identifiers: MedGen C0543541, MONDO:0007677, OMIM 138500, HP:0003108.

Allele frequency attached by ClinVar (database versions not stated): 1000 Genomes Project 0.96406; gnomAD 0.96477 and 0.96488; 1000 Genomes Project 30x 0.96565; TOPMed 0.96631; gnomAD exomes 0.98611.

Submissions (2):

Illumina Laboratory Services, Illumina
Classification: Benign for Hyperglycinuria. Last evaluated: 2018-01-13. Review status: criteria provided, single submitter. Criteria: ICSL Variant Classification Criteria 13 December 2019. Collection method: clinical testing. Allele origin: germline.
Comment: This variant was observed in the ICSL laboratory as part of a predisposition screen in an ostensibly healthy population. It had not been previously curated by ICSL or reported in the Human Gene Mutation Database (HGMD: prior to June 1st, 2018), and was therefore a candidate for classification through an automated scoring system. Utilizing variant allele frequency, disease prevalence and penetrance estimates, and inheritance mode, an automated score was calculated to assess if this variant is too frequent to cause the disease. Based on the score and internal cut-off values, a variant classified as benign is not then subjected to further curation. The score for this variant resulted in a classification of benign for this disease.

Breakthrough Genomics
Classification: Benign. Review status: criteria provided, single submitter. Criteria: ACMG Guidelines, 2015. Collection method: not provided. Allele origin: germline. Inheritance: Autosomal recessive inheritance. Affected: yes.